The following is an entry in ClinVar:

NM_015629.4(PRPF31):c.958C>A (p.Leu320Met)

Gene: PRPF31 (pre-mRNA processing factor 31; plus strand). Cytogenetic location: 19q13.42.
Variant type: single nucleotide variant.
Coding change: c.958C>A on transcript NM_015629.4 (MANE Select); coding-DNA position 958, C replaced by A.
Protein change: p.Leu320Met; replaces leucine 320 with methionine.
Molecular consequence: missense variant.
Genome position (GRCh38, 1-based): chr19:54,128,085, C>A. VCF-style: chr19-54128085-C-A. GRCh37 (hg19) VCF-style: chr19-54631460-C-A.
Other names: short protein forms L320M.
Identifiers: ClinVar variation 2501820 (VCV002501820.1), dbSNP rs1450669410, ClinGen allele CA407752859.

ClinVar aggregate classification (germline): Uncertain significance (1 of 4 stars; one submission).

Allele frequency attached by ClinVar (database versions not stated): gnomAD exomes below 0.00001; TOPMed 0.00001.
gnomAD v4.1: 1 of 1,548,892 alleles (0.000065%); highest among the groups gnomAD compares: Non-Finnish European, 0.000087%; no homozygotes.

Submission:

GeneDx
Classification: Uncertain significance. Last evaluated: 2022-11-09. Review status: criteria provided, single submitter. Criteria: GeneDx Variant Classification Process June 2021. Collection method: clinical testing. Allele origin: germline. Affected: yes.
Comment: Not observed at significant frequency in large population cohorts (gnomAD); In silico analysis supports that this missense variant does not alter protein structure/function; Has not been previously published as pathogenic or benign to our knowledge